The following is an entry in ClinVar:

NM_004990.4(MARS1):c.1534del (p.Asp512fs)

Gene: MARS1 (methionyl-tRNA synthetase 1; plus strand). Cytogenetic location: 12q13.3.
Variant type: Deletion.
Coding change: c.1534del on transcript NM_004990.4 (MANE Select); coding-DNA position 1534, one base deleted (G; older notation c.1534delG).
Protein change: p.Asp512fs; shifts the reading frame from aspartic acid 512.
Molecular consequence: frameshift variant.
Genome position (GRCh38, 1-based): chr12:57,511,863, G deleted. VCF-style (leftmost placement, unchanged base first): chr12-57511862-AG-A. GRCh37 (hg19) VCF-style: chr12-57905645-AG-A.
Other names: short protein forms D512fs.
Identifiers: ClinVar variation 2938450 (VCV002938450.3), dbSNP rs1771114461, ClinGen allele CA2038898418.

ClinVar aggregate classification (germline): Uncertain significance (1 of 4 stars; one submission).

Conditions:
Severe early-onset pulmonary alveolar proteinosis due to MARS deficiency. Also called: PULMONARY ALVEOLAR PROTEINOSIS, REUNION ISLAND; Interstitial lung and liver disease. Identifiers: Orphanet 440427, MedGen C4225400, MONDO:0014206, OMIM 615486.
Charcot-Marie-Tooth disease axonal type 2U. Also called: CHARCOT-MARIE-TOOTH NEUROPATHY, TYPE 2U; CHARCOT-MARIE-TOOTH DISEASE, AXONAL, AUTOSOMAL DOMINANT, TYPE 2U. Identifiers: Orphanet 397735, MedGen C4084821, MONDO:0014566, OMIM 616280.

Allele frequency attached by ClinVar (database versions not stated): gnomAD exomes 0.00001.

Submission:

Labcorp Genetics (formerly Invitae), Labcorp
Classification: Uncertain significance for Charcot-Marie-Tooth disease axonal type 2U; Severe early-onset pulmonary alveolar proteinosis due to MARS deficiency. Last evaluated: 2023-09-07. Review status: criteria provided, single submitter. Criteria: Invitae Variant Classification Sherloc (09022015). Collection method: clinical testing. Allele origin: germline.
Comment: In summary, the available evidence is currently insufficient to determine the role of this variant in disease. Therefore, it has been classified as a Variant of Uncertain Significance. This variant has not been reported in the literature in individuals affected with MARS-related conditions. This variant is not present in population databases (gnomAD no frequency). This sequence change creates a premature translational stop signal (p.Asp512Thrfs*51) in the MARS gene. It is expected to result in an absent or disrupted protein product. However, the current clinical and genetic evidence is not sufficient to establish whether loss-of-function variants in MARS cause disease.